The following is an entry in ClinVar:

ClinVar aggregate classification (germline): Uncertain significance. Review status: criteria provided, multiple submitters, no conflicts (2 of 4 stars). 2 submissions from 2 submitters: Uncertain significance (2). Last evaluated 2024-01-11.

Conditions:
Fanconi anemia (FA). Also called: Fanconi's anemia. Identifiers: Orphanet 84, MedGen C0015625, MeSH D005199, MONDO:0019391.
Fanconi anemia complementation group A (FANCA). Also called: Fanconi anemia, group A; FANCA-Related Fanconi Anemia. Identifiers: Orphanet 84, MedGen C3469521, MONDO:0009215, OMIM 227650.

Allele frequency attached by ClinVar (database versions not stated): gnomAD 0.00001; gnomAD exomes 0.00001; TOPMed 0.00002.
gnomAD v4.1: 11 of 1,613,642 alleles (0.00068%); highest among the groups gnomAD compares: Middle Eastern, 0.016%; no homozygotes.

Submissions (2):

Fulgent Genetics
Classification: Uncertain significance for Fanconi anemia complementation group A. Last evaluated: 2024-01-11. Review status: criteria provided, single submitter. Criteria: ACMG Guidelines, 2015. Collection method: clinical testing. Allele origin: germline.

Labcorp Genetics (formerly Invitae), Labcorp
Classification: Uncertain significance for Fanconi anemia. Last evaluated: 2022-09-07. Review status: criteria provided, single submitter. Criteria: Invitae Variant Classification Sherloc (09022015). Collection method: clinical testing. Allele origin: germline.
Comment: This sequence change replaces alanine, which is neutral and non-polar, with valine, which is neutral and non-polar, at codon 958 of the FANCA protein (p.Ala958Val). This variant is present in population databases (no rsID available, gnomAD 0.005%). This variant has not been reported in the literature in individuals affected with FANCA-related conditions. ClinVar contains an entry for this variant (Variation ID: 1362005). Algorithms developed to predict the effect of missense changes on protein structure and function are either unavailable or do not agree on the potential impact of this missense change (SIFT: "Deleterious"; PolyPhen-2: "Possibly Damaging"; Align-GVGD: "Class C0"). Experimental studies have shown that this missense change affects FANCA function (PMID: 29621589). Algorithms developed to predict the effect of sequence changes on RNA splicing suggest that this variant may create or strengthen a splice site. In summary, the available evidence is currently insufficient to determine the role of this variant in disease. Therefore, it has been classified as a Variant of Uncertain Significance.

Literature cited by the submitters: PubMed 29621589 (cited by Labcorp Genetics (formerly Invitae), Labcorp).

NM_000135.4(FANCA):c.2873C>T (p.Ala958Val)

Gene: FANCA (FA complementation group A; minus strand). Cytogenetic location: 16q24.3.
Variant type: single nucleotide variant.
Coding change: c.2873C>T on transcript NM_000135.4 (MANE Select); coding-DNA position 2873, C replaced by T.
Protein change: p.Ala958Val; replaces alanine 958 with valine.
Molecular consequence: missense variant.
Genome position (GRCh38, 1-based): chr16:89,758,685, G>A on the plus strand (C>T on the coding strand, the complement: FANCA is on the minus strand). VCF-style: chr16-89758685-G-A. GRCh37 (hg19) VCF-style: chr16-89825093-G-A.
Other names: c.2873C>T, p.Ala958Val (NM_001286167.3); short protein forms A958V.
Identifiers: ClinVar variation 1362005 (VCV001362005.4), dbSNP rs1374262828, ClinGen allele CA397431511.